The following is an entry in ClinVar:

NM_033305.3(VPS13A):c.8228A>C (p.Lys2743Thr)

Gene: VPS13A (vacuolar protein sorting 13 homolog A; plus strand). Cytogenetic location: 9q21.2.
Variant type: single nucleotide variant.
Coding change: c.8228A>C on transcript NM_033305.3 (MANE Select); coding-DNA position 8228, A replaced by C.
Protein change: p.Lys2743Thr; replaces lysine 2743 with threonine.
Molecular consequence: missense variant.
Genome position (GRCh38, 1-based): chr9:77,365,476, A>C. VCF-style: chr9-77365476-A-C. GRCh37 (hg19) VCF-style: chr9-79980392-A-C.
Other names: c.8111A>C, p.Lys2704Thr (NM_001018037.2); c.8228A>C, p.Lys2743Thr (NM_001018038.3, NM_015186.4); short protein forms K2743T, K2704T.
Identifiers: ClinVar variation 367421 (VCV000367421.24), dbSNP rs138308486, ClinGen allele CA5093586.

ClinVar aggregate classification (germline): Benign/Likely benign. Review status: criteria provided, multiple submitters, no conflicts (2 of 4 stars). 8 submissions from 8 submitters: Benign (2); Likely benign (3). 3 of the submissions do not count toward it. Last evaluated 2026-01-31.

Conditions:
VPS13A-related neurodegenerative disease. Also called: LEVINE-CRITCHLEY SYNDROME; Chorea-acanthocytosis; ACANTHOCYTOSIS WITH NEUROLOGIC DISORDER; Choreoacanthocytosis; Choreaacanthocytosis; VPS13A Disease. Identifiers: Orphanet 2388, MedGen C0393576, MONDO:0008695, OMIM 200150.

Allele frequency attached by ClinVar (database versions not stated): gnomAD exomes 0.00123; ExAC 0.00141; 1000 Genomes Project 30x 0.00453; 1000 Genomes Project 0.00459; gnomAD 0.00485 and 0.00517; TOPMed 0.00581; ESP Exome Variant Server 0.00615.
gnomAD v4.1: 1,472 of 1,608,772 alleles (0.091%); highest among the groups gnomAD compares: African/African-American, 1.7%; 17 homozygotes.

Submissions (9):

Labcorp Genetics (formerly Invitae), Labcorp
Classification: Benign. Last evaluated: 2026-01-31. Review status: criteria provided, single submitter. Criteria: Invitae Variant Classification Sherloc (09022015). Collection method: clinical testing. Allele origin: germline.

Blueprint Genetics
Classification: Likely benign. Last evaluated: 2024-11-21. Review status: criteria provided, single submitter. Criteria: ACMG Guidelines, 2015. Collection method: clinical testing. Allele origin: germline.

GeneDx
Classification: Likely benign. Last evaluated: 2021-06-11. Review status: criteria provided, single submitter. Criteria: GeneDx Variant Classification Process June 2021. Collection method: clinical testing. Allele origin: germline. Affected: yes.

Illumina Laboratory Services, Illumina
Classification: Benign for VPS13A-related neurodegenerative disease. Last evaluated: 2018-01-13. Review status: criteria provided, single submitter. Criteria: ICSL Variant Classification Criteria 13 December 2019. Collection method: clinical testing. Allele origin: germline.
Comment: This variant was observed in the ICSL laboratory as part of a predisposition screen in an ostensibly healthy population. It had not been previously curated by ICSL or reported in the Human Gene Mutation Database (HGMD: prior to June 1st, 2018), and was therefore a candidate for classification through an automated scoring system. Utilizing variant allele frequency, disease prevalence and penetrance estimates, and inheritance mode, an automated score was calculated to assess if this variant is too frequent to cause the disease. Based on the score and internal cut-off values, a variant classified as benign is not then subjected to further curation. The score for this variant resulted in a classification of benign for this disease.

Breakthrough Genomics
Classification: Likely benign. Review status: criteria provided, single submitter. Criteria: ACMG Guidelines, 2015. Collection method: not provided. Allele origin: germline. Inheritance: Autosomal recessive inheritance. Affected: yes.

Natera, Inc.
Classification: Benign for Choreaacanthocytosis. Last evaluated: 2019-12-18. Review status: no assertion criteria provided. Collection method: clinical testing. Allele origin: germline. Not counted in ClinVar's aggregate classification.

Clinical Genetics DNA and cytogenetics Diagnostics Lab, Erasmus MC, Erasmus Medical Center
Classification: Benign. Review status: no assertion criteria provided. Collection method: clinical testing. Allele origin: germline. Affected: yes. Study: VKGL Data-share Consensus. Not counted in ClinVar's aggregate classification.

Dr. Peter K. Rogan Lab, Western University
No classification provided (evidence only). Condition: Nonpapillary renal cell carcinoma. Review status: no classification provided. Collection method: in vitro. Allele origin: not applicable. Functional consequence: retained intron. Not counted in ClinVar's aggregate classification.

Genome Diagnostics Laboratory, Amsterdam University Medical Center
Classification: Likely benign. Review status: no assertion criteria provided. Collection method: clinical testing. Allele origin: germline. Affected: yes. Study: VKGL Data-share Consensus. Not counted in ClinVar's aggregate classification.